The following is an entry in ClinVar:

NM_002772.3(TMPRSS15):c.544A>G (p.Ile182Val)

Gene: TMPRSS15 (transmembrane serine protease 15; minus strand). Cytogenetic location: 21q21.1.
Variant type: single nucleotide variant.
Coding change: c.544A>G on transcript NM_002772.3 (MANE Select); coding-DNA position 544, A replaced by G.
Protein change: p.Ile182Val; replaces isoleucine 182 with valine.
Molecular consequence: missense variant.
Genome position (GRCh38, 1-based): chr21:18,372,313, T>C on the plus strand (A>G on the coding strand, the complement: TMPRSS15 is on the minus strand). VCF-style: chr21-18372313-T-C. GRCh37 (hg19) VCF-style: chr21-19744630-T-C.
Other names: short protein forms I182V.
Identifiers: ClinVar variation 2887010 (VCV002887010.1), dbSNP rs1387446716, ClinGen allele CA409852666.

ClinVar aggregate classification (germline): Uncertain significance (1 of 4 stars; one submission).

Allele frequency attached by ClinVar (database versions not stated): gnomAD 0.00001; gnomAD exomes 0.00001; TOPMed 0.00002.
gnomAD v4.1: 18 of 1,612,848 alleles (0.0011%); highest among the groups gnomAD compares: Admixed American, 0.0017%; no homozygotes.

Submission:

Labcorp Genetics (formerly Invitae), Labcorp
Classification: Uncertain significance. Last evaluated: 2023-10-05. Review status: criteria provided, single submitter. Criteria: Invitae Variant Classification Sherloc (09022015). Collection method: clinical testing. Allele origin: germline.
Comment: This sequence change replaces isoleucine, which is neutral and non-polar, with valine, which is neutral and non-polar, at codon 182 of the TMPRSS15 protein (p.Ile182Val). This variant is not present in population databases (gnomAD no frequency). This variant has not been reported in the literature in individuals affected with TMPRSS15-related conditions. Algorithms developed to predict the effect of missense changes on protein structure and function output the following: SIFT: "Not Available"; PolyPhen-2: "Benign"; Align-GVGD: "Not Available". The valine amino acid residue is found in multiple mammalian species, which suggests that this missense change does not adversely affect protein function. In summary, the available evidence is currently insufficient to determine the role of this variant in disease. Therefore, it has been classified as a Variant of Uncertain Significance.